The following is an entry in ClinVar:

NM_015570.4(AUTS2):c.1061C>G (p.Pro354Arg)

Gene: AUTS2 (activator of transcription and developmental regulator AUTS2; plus strand). Cytogenetic location: 7q11.22.
Variant type: single nucleotide variant.
Coding change: c.1061C>G on transcript NM_015570.4 (MANE Select); coding-DNA position 1061, C replaced by G.
Protein change: p.Pro354Arg; replaces proline 354 with arginine.
Molecular consequence: missense variant.
Genome position (GRCh38, 1-based): chr7:70,763,188, C>G. VCF-style: chr7-70763188-C-G. GRCh37 (hg19) VCF-style: chr7-70228174-C-G.
Other names: c.1061C>G, p.Pro354Arg (NM_001127231.3); short protein forms P354R.
Identifiers: ClinVar variation 1308229 (VCV001308229.2), dbSNP rs545795149, ClinGen allele CA367667759.

ClinVar aggregate classification (germline): Uncertain significance (1 of 4 stars; one submission).

gnomAD v4.1: 5 of 1,613,910 alleles (0.00031%); highest among the groups gnomAD compares: Admixed American, 0.005%; no homozygotes.

Submission:

GeneDx
Classification: Uncertain significance. Last evaluated: 2019-03-22. Review status: criteria provided, single submitter. Criteria: GeneDx Variant Classification Process June 2021. Collection method: clinical testing. Allele origin: germline. Affected: yes.
Comment: In silico analysis, which includes protein predictors and evolutionary conservation, supports a deleterious effect; Has not been previously published as pathogenic or benign to our knowledge